The following is an entry in ClinVar:

NM_001267550.2(TTN):c.46353T>C (p.Asp15451=)

Genes: TTN (titin; minus strand), TTN-AS1 (TTN antisense RNA 1; plus strand). Cytogenetic location: 2q31.2.
Variant type: single nucleotide variant.
Coding change: c.46353T>C on transcript NM_001267550.2 (MANE Select); coding-DNA position 46353, T replaced by C.
Protein change: p.Asp15451=; no amino-acid change (aspartic acid 15451 retained).
Molecular consequence: synonymous variant. On other transcripts: non-coding transcript variant (1).
Genome position (GRCh38, 1-based): chr2:178,620,064, A>G on the plus strand (T>C on the coding strand, the complement: TTN is on the minus strand). VCF-style: chr2-178620064-A-G. GRCh37 (hg19) VCF-style: chr2-179484791-A-G.
Other names: c.41430T>C, p.Asp13810= (NM_001256850.1); c.19158T>C, p.Asp6386= (NM_003319.4); c.38649T>C, p.Asp12883= (NM_133378.4); c.19533T>C, p.Asp6511= (NM_133432.3); c.19734T>C, p.Asp6578= (NM_133437.4).
Identifiers: ClinVar variation 467173 (VCV000467173.15), dbSNP rs373160538, ClinGen allele CA1995259.

ClinVar aggregate classification (germline): Likely benign. Review status: criteria provided, multiple submitters, no conflicts (2 of 4 stars). 5 submissions from 5 submitters: Likely benign (5). Last evaluated 2025-10-13.

Conditions:
Cardiovascular phenotype. Identifiers: MedGen CN230736.
Autosomal recessive limb-girdle muscular dystrophy type 2J (LGMDR10). Also called: MUSCULAR DYSTROPHY, LIMB-GIRDLE, AUTOSOMAL RECESSIVE 10; Limb-girdle muscular dystrophy, type 2J. Identifiers: Orphanet 140922, MedGen C1837342, MONDO:0012127, OMIM 608807.
Dilated cardiomyopathy 1G (CMD1G). Identifiers: Orphanet 154, MedGen C1858763, MONDO:0011400, OMIM 604145.
Cardiomyopathy (CMYO). Also called: Cardiomyopathies. Identifiers: Orphanet 167848, MedGen C0878544, MONDO:0004994, HP:0001638. Inheritance: Various modes of inheritance.

Allele frequency attached by ClinVar (database versions not stated): gnomAD exomes below 0.00001 and 0.00001; ExAC 0.00002; ESP Exome Variant Server 0.00008.
gnomAD v4.1: 6 of 1,611,928 alleles (0.00037%); highest among the groups gnomAD compares: Non-Finnish European, 0.00051%; no homozygotes.

Submissions (5):

Labcorp Genetics (formerly Invitae), Labcorp
Classification: Likely benign for Dilated cardiomyopathy 1G; Autosomal recessive limb-girdle muscular dystrophy type 2J. Last evaluated: 2025-10-13. Review status: criteria provided, single submitter. Criteria: Invitae Variant Classification Sherloc (09022015). Collection method: clinical testing. Allele origin: germline.

Blueprint Genetics
Classification: Likely benign. Last evaluated: 2023-08-28. Review status: criteria provided, single submitter. Criteria: ACMG Guidelines, 2015. Collection method: clinical testing. Allele origin: germline.

Ambry Genetics
Classification: Likely benign for Cardiovascular phenotype. Last evaluated: 2021-10-07. Review status: criteria provided, single submitter. Criteria: Ambry Variant Classification Scheme 2023. Collection method: clinical testing. Allele origin: germline.

CHEO Genetics Diagnostic Laboratory, Children's Hospital of Eastern Ontario
Classification: Likely benign for Cardiomyopathy. Last evaluated: 2019-09-06. Review status: criteria provided, single submitter. Criteria: ACMG Guidelines, 2015. Collection method: clinical testing. Allele origin: germline.

GeneDx
Classification: Likely benign. Last evaluated: 2018-05-04. Review status: criteria provided, single submitter. Criteria: GeneDx Variant Classification (06012015). Collection method: clinical testing. Allele origin: germline. Affected: yes.
Comment: This variant is considered likely benign or benign based on one or more of the following criteria: it is a conservative change, it occurs at a poorly conserved position in the protein, it is predicted to be benign by multiple in silico algorithms, and/or has population frequency not consistent with disease.